The following is an entry in ClinVar:

NM_206926.2(SELENON):c.35C>T (p.Pro12Leu)

Gene: SELENON (selenoprotein N; plus strand). Cytogenetic location: 1p36.11.
Variant type: single nucleotide variant.
Coding change: c.35C>T on transcript NM_206926.2 (MANE Select); coding-DNA position 35, C replaced by T.
Protein change: p.Pro12Leu; replaces proline 12 with leucine.
Molecular consequence: missense variant.
Genome position (GRCh38, 1-based): chr1:25,800,265, C>T. VCF-style: chr1-25800265-C-T. GRCh37 (hg19) VCF-style: chr1-26126756-C-T.
Other names: c.35C>T, p.Pro12Leu (NM_020451.3); short protein forms P12L.
Identifiers: ClinVar variation 4805150 (VCV004805150.1).

ClinVar aggregate classification (germline): Uncertain significance (1 of 4 stars; one submission).

Conditions:
Eichsfeld type congenital muscular dystrophy (CMYO3). Also called: MYOPATHY, SEPN1-RELATED; Rigid spine muscular dystrophy 1; SELENON-related myopathy; Congenital myopathy 3 with rigid spine. Identifiers: MedGen C0410180, MONDO:0100100, OMIM 602771.

gnomAD v4.1: 2 of 951,252 alleles (0.00021%); highest among the groups gnomAD compares: Non-Finnish European, 0.00025%; no homozygotes.

Submission:

Labcorp Genetics (formerly Invitae), Labcorp
Classification: Uncertain significance for Eichsfeld type congenital muscular dystrophy. Last evaluated: 2025-07-07. Review status: criteria provided, single submitter. Criteria: Invitae Variant Classification Sherloc (09022015). Collection method: clinical testing. Allele origin: germline.
Comment: This sequence change replaces proline, which is neutral and non-polar, with leucine, which is neutral and non-polar, at codon 12 of the SELENON protein (p.Pro12Leu). This variant is present in population databases (no rsID available, gnomAD 0.007%). This variant has not been reported in the literature in individuals affected with SELENON-related conditions. Experimental studies and prediction algorithms are not available or were not evaluated, and the functional significance of this variant is currently unknown. In summary, the available evidence is currently insufficient to determine the role of this variant in disease. Therefore, it has been classified as a Variant of Uncertain Significance.